The following is an entry in ClinVar:

ClinVar aggregate classification (germline): Uncertain significance. Review status: criteria provided, multiple submitters, no conflicts (2 of 4 stars). 2 submissions from 2 submitters: Uncertain significance (2). Last evaluated 2025-11-17.

Conditions:
DICER1-related tumor predisposition. Also called: DICER1 syndrome; DICER1-related pleuropulmonary blastoma cancer predisposition syndrome. Identifiers: Orphanet 284343, MedGen C3839822, MONDO:0100216.

Submissions (2):

Labcorp Genetics (formerly Invitae), Labcorp
Classification: Uncertain significance for DICER1-related tumor predisposition. Last evaluated: 2025-11-17. Review status: criteria provided, single submitter. Criteria: Invitae Variant Classification Sherloc (09022015). Collection method: clinical testing. Allele origin: germline.
Comment: This sequence change replaces isoleucine, which is neutral and non-polar, with methionine, which is neutral and non-polar, at codon 827 of the DICER1 protein (p.Ile827Met). This variant is not present in population databases (gnomAD no frequency). This variant has not been reported in the literature in individuals affected with DICER1-related conditions. ClinVar contains an entry for this variant (Variation ID: 660348). Invitae Evidence Modeling of protein sequence and biophysical properties (such as structural, functional, and spatial information, amino acid conservation, physicochemical variation, residue mobility, and thermodynamic stability) indicates that this missense variant is not expected to disrupt DICER1 protein function with a negative predictive value of 95%. In summary, the available evidence is currently insufficient to determine the role of this variant in disease. Therefore, it has been classified as a Variant of Uncertain Significance.

Quest Diagnostics Nichols Institute San Juan Capistrano
Classification: Uncertain significance. Last evaluated: 2023-05-09. Review status: criteria provided, single submitter. Criteria: Quest Diagnostics criteria. Collection method: clinical testing. Allele origin: unknown.
Comment: This variant has not been reported in the published literature. It also has not been reported in large, multi-ethnic general populations. Analysis of this variant using bioinformatics tools for the prediction of the effect of amino acid changes on protein structure and function yielded conflicting predictions that this variant is benign or damaging. Based on the available information, we are unable to determine the clinical significance of this variant.

NM_177438.3(DICER1):c.2481A>G (p.Ile827Met)

Gene: DICER1 (dicer 1, ribonuclease III; minus strand). Cytogenetic location: 14q32.13.
Variant type: single nucleotide variant.
Coding change: c.2481A>G on transcript NM_177438.3 (MANE Select); coding-DNA position 2481, A replaced by G.
Protein change: p.Ile827Met; replaces isoleucine 827 with methionine.
Molecular consequence: missense variant.
Genome position (GRCh38, 1-based): chr14:95,108,049, T>C on the plus strand (A>G on the coding strand, the complement: DICER1 is on the minus strand). VCF-style: chr14-95108049-T-C. GRCh37 (hg19) VCF-style: chr14-95574386-T-C.
Other names: c.2481A>G, p.Ile827Met (NM_001195573.1, NM_001271282.3, NM_001291628.2 and 1 more transcripts); short protein forms I827M.
Identifiers: ClinVar variation 660348 (VCV000660348.10), dbSNP rs1595380751, ClinGen allele CA390881938.